The following is an entry in ClinVar:

ClinVar aggregate classification (germline): Uncertain significance (1 of 4 stars; one submission).

Allele frequency attached by ClinVar (database versions not stated): gnomAD 0.00001; gnomAD exomes 0.00002; ExAC 0.00004.

Submission:

Labcorp Genetics (formerly Invitae), Labcorp
Classification: Uncertain significance. Last evaluated: 2024-06-15. Review status: criteria provided, single submitter. Criteria: Invitae Variant Classification Sherloc (09022015). Collection method: clinical testing. Allele origin: germline.
Comment: This sequence change replaces proline, which is neutral and non-polar, with alanine, which is neutral and non-polar, at codon 252 of the ANKRD26 protein (p.Pro252Ala). This variant is present in population databases (rs761110230, gnomAD 0.03%). This variant has not been reported in the literature in individuals affected with ANKRD26-related conditions. Algorithms developed to predict the effect of missense changes on protein structure and function output the following: SIFT: "Not Available"; PolyPhen-2: "Benign"; Align-GVGD: "Not Available". The alanine amino acid residue is found in multiple mammalian species, which suggests that this missense change does not adversely affect protein function. In summary, the available evidence is currently insufficient to determine the role of this variant in disease. Therefore, it has been classified as a Variant of Uncertain Significance.

NM_014915.3(ANKRD26):c.754C>G (p.Pro252Ala)

Gene: ANKRD26 (ankyrin repeat domain 26; minus strand). Cytogenetic location: 10p12.1.
Variant type: single nucleotide variant.
Coding change: c.754C>G on transcript NM_014915.3 (MANE Select); coding-DNA position 754, C replaced by G.
Protein change: p.Pro252Ala; replaces proline 252 with alanine.
Molecular consequence: missense variant.
Genome position (GRCh38, 1-based): chr10:27,079,148, G>C on the plus strand (C>G on the coding strand, the complement: ANKRD26 is on the minus strand). VCF-style: chr10-27079148-G-C. GRCh37 (hg19) VCF-style: chr10-27368077-G-C.
Other names: c.754C>G, p.Pro252Ala (NM_001256053.2); short protein forms P252A.
Identifiers: ClinVar variation 3022860 (VCV003022860.3), dbSNP rs761110230, ClinGen allele CA5448797.
Genomic context (GRCh38, chr10:27,079,148, plus strand): 5'-CCTTAGTATCAAAATTGAGGTCTTCGTCATCTGAGGTAGGCCATGAATCATCAACACCCG[G>C]TTTGCCAGAAAGCCTTTAGAACAAAAATATAGAAAAATGAGTGAATTCATTTCTTTAAAA-3'
Protein context (NP_055730.2, residues 242-262): EDSLSRLSGK[Pro252Ala]GVDDSWPTSD